The following is an entry in ClinVar:

NM_006767.4(LZTR1):c.764T>C (p.Leu255Pro)

Gene: LZTR1 (leucine zipper like post translational regulator 1; plus strand). Cytogenetic location: 22q11.21.
Variant type: single nucleotide variant.
Coding change: c.764T>C on transcript NM_006767.4 (MANE Select); coding-DNA position 764, T replaced by C.
Protein change: p.Leu255Pro; replaces leucine 255 with proline.
Molecular consequence: missense variant.
Genome position (GRCh38, 1-based): chr22:20,990,498, T>C. VCF-style: chr22-20990498-T-C. GRCh37 (hg19) VCF-style: chr22-21344787-T-C.
Other names: short protein forms L255P.
Identifiers: ClinVar variation 2632668 (VCV002632668.5), dbSNP rs2518615882, ClinGen allele CA410780654.

ClinVar aggregate classification (germline): Uncertain significance. Review status: criteria provided, multiple submitters, no conflicts (2 of 4 stars). 3 submissions from 3 submitters: Uncertain significance (3). Last evaluated 2025-03-18.

Conditions:
Cardiovascular phenotype. Identifiers: MedGen CN230736.
Hereditary cancer-predisposing syndrome. Also called: Tumor predisposition; Neoplastic Syndromes, Hereditary; Hereditary neoplastic syndrome; Hereditary Cancer Syndrome. Identifiers: Orphanet 140162, MedGen C0027672, MeSH D009386, MONDO:0015356.
LZTR1-related disorder. Also called: LZTR1-related disorders; LZTR1-related condition.

Submissions (3):

Ambry Genetics
Classification: Uncertain significance for Cardiovascular phenotype; Hereditary cancer-predisposing syndrome. Last evaluated: 2025-03-18. Review status: criteria provided, single submitter. Criteria: Ambry Variant Classification Scheme 2023. Collection method: clinical testing. Allele origin: germline.
Comment: The p.L255P variant (also known as c.764T>C), located in coding exon 8 of the LZTR1 gene, results from a T to C substitution at nucleotide position 764. The leucine at codon 255 is replaced by proline, an amino acid with similar properties. This amino acid position is conserved. In addition, this alteration is predicted to be deleterious by in silico analysis. Based on the available evidence, the clinical significance of this variant remains unclear.

Labcorp Genetics (formerly Invitae), Labcorp
Classification: Uncertain significance. Last evaluated: 2023-11-15. Review status: criteria provided, single submitter. Criteria: Invitae Variant Classification Sherloc (09022015). Collection method: clinical testing. Allele origin: germline.
Comment: This sequence change replaces leucine, which is neutral and non-polar, with proline, which is neutral and non-polar, at codon 255 of the LZTR1 protein (p.Leu255Pro). This variant is not present in population databases (gnomAD no frequency). This variant has not been reported in the literature in individuals affected with LZTR1-related conditions. Advanced modeling of protein sequence and biophysical properties (such as structural, functional, and spatial information, amino acid conservation, physicochemical variation, residue mobility, and thermodynamic stability) performed at Invitae indicates that this missense variant is not expected to disrupt LZTR1 protein function with a negative predictive value of 80%. In summary, the available evidence is currently insufficient to determine the role of this variant in disease. Therefore, it has been classified as a Variant of Uncertain Significance.

PreventionGenetics, part of Exact Sciences
Classification: Uncertain significance for LZTR1-related condition. Last evaluated: 2023-06-06. Review status: criteria provided, single submitter. Criteria: ACMG Guidelines, 2015. Collection method: clinical testing. Allele origin: germline.
Comment: The LZTR1 c.764T>C variant is predicted to result in the amino acid substitution p.Leu255Pro. To our knowledge, this variant has not been reported in the literature or in a large population database, indicating this variant is rare. Of note, a different variant impacting the same amino acid (p.Leu255Arg) was reported in a patient with segmental schwannomatosis (Patient 4 in Alaidarous et al. 2019. PubMed ID: 31438995). At this time, the clinical significance of the c.764T>C (p.Leu255Pro) variant is uncertain due to the absence of conclusive functional and genetic evidence.